The following is an entry in ClinVar:

NM_020127.3(TUFT1):c.524C>T (p.Thr175Met)

Gene: TUFT1 (tuftelin 1; plus strand). Cytogenetic location: 1q21.3.
Variant type: single nucleotide variant.
Coding change: c.524C>T on transcript NM_020127.3 (MANE Select); coding-DNA position 524, C replaced by T.
Protein change: p.Thr175Met; replaces threonine 175 with methionine.
Molecular consequence: missense variant.
Genome position (GRCh38, 1-based): chr1:151,569,700, C>T. VCF-style: chr1-151569700-C-T. GRCh37 (hg19) VCF-style: chr1-151542176-C-T.
Other names: c.449C>T, p.Thr150Met (NM_001126337.2); c.581C>T, p.Thr194Met (NM_001301317.2); short protein forms T150M, T175M, T194M.
Identifiers: ClinVar variation 3770425 (VCV003770425.13).

ClinVar aggregate classification (germline): Benign (1 of 4 stars; one submission).

gnomAD v4.1: 23,521 of 1,613,904 alleles (1.5%); highest among the groups gnomAD compares: South Asian, 2.2%; 236 homozygotes.

Submission:

CeGaT Center for Human Genetics Tuebingen
Classification: Benign. Last evaluated: 2025-02-01. Review status: criteria provided, single submitter. Criteria: CeGaT Center For Human Genetics Tuebingen Variant Classification Criteria Version 2. Collection method: clinical testing. Allele origin: germline. Affected: yes. Observed: 1 variant allele.
Comment: TUFT1: BP4, BS1, BS2